The following is an entry in ClinVar:

ClinVar aggregate classification (germline): Pathogenic. Review status: criteria provided, multiple submitters, no conflicts (2 of 4 stars). 2 submissions from 2 submitters: Pathogenic (2). Last evaluated 2024-05-14.

Conditions:
Hereditary factor XI deficiency disease. Also called: PLASMA THROMBOPLASTIN ANTECEDENT DEFICIENCY; PTA DEFICIENCY; ROSENTHAL SYNDROME; Congenital factor XI deficiency. Identifiers: Orphanet 329, MedGen C0015523, MeSH D005173, MONDO:0012897, OMIM 612416.
Multiple congenital anomalies/dysmorphic syndrome-intellectual disability. Identifiers: Orphanet 102283, MedGen C5680372, MONDO:0015159.

Submissions (2):

Myriad Genetics, Inc.
Classification: Pathogenic for Hereditary factor XI deficiency disease. Last evaluated: 2024-05-14. Review status: criteria provided, single submitter. Criteria: Myriad Autosomal Dominant, Autosomal Recessive and X-Linked Classification Criteria (2023). Collection method: clinical testing. Allele origin: unknown.
Comment: NM_000128.3(F11):c.316C>T(Q106*) is expected to be pathogenic in the context of factor XI deficiency. This variant is predicted to lead to an abnormal or absent protein product due to the creation of a premature termination codon in F11, a gene where loss-of-function variants are known to be pathogenic. Please note: this variant was assessed in the context of healthy population screening.

AURAGEN, Plan France Médecine Génomique
Classification: Pathogenic for Multiple congenital anomalies/dysmorphic syndrome-intellectual disability. Last evaluated: 2020-11-27. Review status: criteria provided, single submitter. Criteria: PFMG2025 (Lancet Reg Health Eur. 2025). Collection method: clinical testing. Allele origin: germline. Affected: yes.

NM_000128.4(F11):c.316C>T (p.Gln106Ter)

Gene: F11 (coagulation factor XI; plus strand). Cytogenetic location: 4q35.2.
Variant type: single nucleotide variant.
Coding change: c.316C>T on transcript NM_000128.4 (MANE Select); coding-DNA position 316, C replaced by T.
Protein change: p.Gln106Ter; replaces glutamine 106 with a stop codon.
Molecular consequence: nonsense.
Genome position (GRCh38, 1-based): chr4:186,273,168, C>T. VCF-style: chr4-186273168-C-T. GRCh37 (hg19) VCF-style: chr4-187194322-C-T.
Other names: c.316C>T, p.Gln106Ter (NM_001354804.2, NM_001440590.1, NM_001440593.1 and 5 more transcripts); short protein forms Q106*.
Identifiers: ClinVar variation 5016350 (VCV005016350.2).
Genomic context (GRCh38, chr4:186,273,168, plus strand): 5'-CTGCCAAGAGTGAATAGGACAGCAGCGATTTCTGGGTATTCTTTCAAGCAATGCTCACAC[C>T]AAATAAGCGGTAAGATATGTTCTCAGAATCAACAAATACCAGCTGTGATGTACACATATC-3'